The following is an entry in ClinVar:

NM_006506.5(RASA2):c.575A>G (p.Asp192Gly)

Gene: RASA2 (RAS p21 protein activator 2; plus strand). Cytogenetic location: 3q23.
Variant type: single nucleotide variant.
Coding change: c.575A>G on transcript NM_006506.5 (MANE Select); coding-DNA position 575, A replaced by G.
Protein change: p.Asp192Gly; replaces aspartic acid 192 with glycine.
Molecular consequence: missense variant.
Genome position (GRCh38, 1-based): chr3:141,553,904, A>G. VCF-style: chr3-141553904-A-G. GRCh37 (hg19) VCF-style: chr3-141272746-A-G.
Other names: c.575A>G, p.Asp192Gly (NM_001303245.3, NM_001303246.3); short protein forms D192G.
Identifiers: ClinVar variation 4743618 (VCV004743618.1).

ClinVar aggregate classification (germline): Uncertain significance (1 of 4 stars; one submission).

gnomAD v4.1: 1 of 1,612,630 alleles (0.000062%); highest among the groups gnomAD compares: Non-Finnish European, 0.000085%; no homozygotes.

Submission:

Labcorp Genetics (formerly Invitae), Labcorp
Classification: Uncertain significance. Last evaluated: 2025-10-19. Review status: criteria provided, single submitter. Criteria: Invitae Variant Classification Sherloc (09022015). Collection method: clinical testing. Allele origin: germline.
Comment: This sequence change replaces aspartic acid, which is acidic and polar, with glycine, which is neutral and non-polar, at codon 192 of the RASA2 protein (p.Asp192Gly). The frequency data for this variant in the population databases is considered unreliable, as metrics indicate poor data quality at this position in the gnomAD database. This variant has not been reported in the literature in individuals affected with RASA2-related conditions. Invitae Evidence Modeling of protein sequence and biophysical properties (such as structural, functional, and spatial information, amino acid conservation, physicochemical variation, residue mobility, and thermodynamic stability) indicates that this missense variant is expected to disrupt RASA2 protein function with a positive predictive value of 80%. In summary, the available evidence is currently insufficient to determine the role of this variant in disease. Therefore, it has been classified as a Variant of Uncertain Significance.